The following is an entry in ClinVar:

ClinVar aggregate classification (germline): Uncertain significance. Review status: criteria provided, multiple submitters, no conflicts (2 of 4 stars). 2 submissions from 2 submitters: Uncertain significance (2). Last evaluated 2023-04-26.

Allele frequency attached by ClinVar (database versions not stated): gnomAD exomes below 0.00001.
gnomAD v4.1: 1 of 1,614,140 alleles (0.000062%); highest among the groups gnomAD compares: Non-Finnish European, 0.000085%; no homozygotes.

Submissions (2):

GeneDx
Classification: Uncertain significance. Last evaluated: 2023-04-26. Review status: criteria provided, single submitter. Criteria: GeneDx Variant Classification Process June 2021. Collection method: clinical testing. Allele origin: germline. Affected: yes.
Comment: Not observed at significant frequency in large population cohorts (gnomAD); In silico analysis supports that this missense variant has a deleterious effect on protein structure/function; Has not been previously published as pathogenic or benign to our knowledge

Labcorp Genetics (formerly Invitae), Labcorp
Classification: Uncertain significance. Last evaluated: 2023-02-03. Review status: criteria provided, single submitter. Criteria: Invitae Variant Classification Sherloc (09022015). Collection method: clinical testing. Allele origin: germline.
Comment: In summary, the available evidence is currently insufficient to determine the role of this variant in disease. Therefore, it has been classified as a Variant of Uncertain Significance. Advanced modeling of protein sequence and biophysical properties (such as structural, functional, and spatial information, amino acid conservation, physicochemical variation, residue mobility, and thermodynamic stability) performed at Invitae indicates that this missense variant is not expected to disrupt CLTC protein function. This variant has not been reported in the literature in individuals affected with CLTC-related conditions. This variant is not present in population databases (gnomAD no frequency). This sequence change replaces proline, which is neutral and non-polar, with serine, which is neutral and polar, at codon 1432 of the CLTC protein (p.Pro1432Ser).

NM_004859.4(CLTC):c.4282C>T (p.Pro1428Ser)

Genes: CLTC (clathrin heavy chain; plus strand), LOC126862609 (CDK7 strongly-dependent group 2 enhancer GRCh37_chr17:57760547-57761746; plus strand). Cytogenetic location: 17q23.1.
Variant type: single nucleotide variant.
Coding change: c.4282C>T on transcript NM_004859.4 (MANE Select); coding-DNA position 4282, C replaced by T.
Protein change: p.Pro1428Ser; replaces proline 1428 with serine.
Molecular consequence: missense variant.
Genome position (GRCh38, 1-based): chr17:59,683,715, C>T. VCF-style: chr17-59683715-C-T. GRCh37 (hg19) VCF-style: chr17-57761076-C-T.
Other names: c.4294C>T, p.Pro1432Ser (NM_001288653.2); short protein forms P1428S, P1432S.
Identifiers: ClinVar variation 2663661 (VCV002663661.4), dbSNP rs2509155107, ClinGen allele CA400421261.